The following is an entry in ClinVar:

NM_015213.4(DENND5A):c.949C>T (p.His317Tyr)

Gene: DENND5A (DENN domain containing 5A; minus strand). Cytogenetic location: 11p15.4.
Variant type: single nucleotide variant.
Coding change: c.949C>T on transcript NM_015213.4 (MANE Select); coding-DNA position 949, C replaced by T.
Protein change: p.His317Tyr; replaces histidine 317 with tyrosine.
Molecular consequence: missense variant. On other transcripts: non-coding transcript variant (1).
Genome position (GRCh38, 1-based): chr11:9,203,660, G>A on the plus strand (C>T on the coding strand, the complement: DENND5A is on the minus strand). VCF-style: chr11-9203660-G-A. GRCh37 (hg19) VCF-style: chr11-9225207-G-A.
Other names: c.949C>T, p.His317Tyr (NM_001243254.2, NM_001348748.1); c.877C>T, p.His293Tyr (NM_001348749.2); c.661C>T, p.His221Tyr (NM_001348750.2); short protein forms H317Y, H221Y, H293Y.
Identifiers: ClinVar variation 2183851 (VCV002183851.1), dbSNP rs776902277, ClinGen allele CA5877726.

ClinVar aggregate classification (germline): Uncertain significance (1 of 4 stars; one submission).

Allele frequency attached by ClinVar (database versions not stated): ExAC 0.00001; gnomAD 0.00001; gnomAD exomes 0.00001; TOPMed 0.00001.
gnomAD v4.1: 22 of 1,611,232 alleles (0.0014%); highest among the groups gnomAD compares: Admixed American, 0.0017%; no homozygotes.

Submission:

Labcorp Genetics (formerly Invitae), Labcorp
Classification: Uncertain significance. Last evaluated: 2022-02-20. Review status: criteria provided, single submitter. Criteria: Invitae Variant Classification Sherloc (09022015). Collection method: clinical testing. Allele origin: germline.
Comment: This sequence change replaces histidine, which is basic and polar, with tyrosine, which is neutral and polar, at codon 317 of the DENND5A protein (p.His317Tyr). This variant is present in population databases (rs776902277, gnomAD 0.005%). This variant has not been reported in the literature in individuals affected with DENND5A-related conditions. Algorithms developed to predict the effect of missense changes on protein structure and function output the following: SIFT: "Tolerated"; PolyPhen-2: "Possibly Damaging"; Align-GVGD: "Class C0". The tyrosine amino acid residue is found in multiple mammalian species, which suggests that this missense change does not adversely affect protein function. In summary, the available evidence is currently insufficient to determine the role of this variant in disease. Therefore, it has been classified as a Variant of Uncertain Significance.